The following is an entry in ClinVar:

NM_000368.5(TSC1):c.2625+15G>A

Gene: TSC1 (TSC complex subunit 1; minus strand). Cytogenetic location: 9q34.13.
Variant type: single nucleotide variant.
Coding change: c.2625+15G>A on transcript NM_000368.5 (MANE Select); 15 bases into the intron after coding-DNA position 2625, G replaced by A.
Molecular consequence: intron variant.
Genome position (GRCh38, 1-based): chr9:132,900,700, C>T on the plus strand (G>A on the coding strand, the complement: TSC1 is on the minus strand). VCF-style: chr9-132900700-C-T. GRCh37 (hg19) VCF-style: chr9-135776087-C-T.
Other names: c.2262+15G>A (NM_001362177.2); c.2472+15G>A (NM_001162427.2); c.2622+15G>A (NM_001162426.2).
Identifiers: ClinVar variation 384000 (VCV000384000.10), dbSNP rs565234395, ClinGen allele CA033550.

ClinVar aggregate classification (germline): Likely benign. Review status: criteria provided, multiple submitters, no conflicts (2 of 4 stars). 3 submissions from 3 submitters: Likely benign (3). Last evaluated 2026-01-28.

Conditions:
Tuberous sclerosis 1 (TSC1). Identifiers: Orphanet 805, MedGen C1854465, MONDO:0008612, OMIM 191100.

Allele frequency attached by ClinVar (database versions not stated): gnomAD 0.00001 and 0.00003; gnomAD exomes 0.00001 and 0.00003; TOPMed 0.00001; ExAC 0.00002; 1000 Genomes Project 30x 0.00047; 1000 Genomes Project 0.00060.
gnomAD v4.1: 27 of 1,613,806 alleles (0.0017%); highest among the groups gnomAD compares: East Asian, 0.011%; no homozygotes.

Submissions (3):

Labcorp Genetics (formerly Invitae), Labcorp
Classification: Likely benign for Tuberous sclerosis 1. Last evaluated: 2026-01-28. Review status: criteria provided, single submitter. Criteria: Invitae Variant Classification Sherloc (09022015). Collection method: clinical testing. Allele origin: germline.

Blueprint Genetics
Classification: Likely benign. Last evaluated: 2021-11-10. Review status: criteria provided, single submitter. Criteria: ACMG Guidelines, 2015. Collection method: clinical testing. Allele origin: germline.

GeneDx
Classification: Likely benign. Last evaluated: 2016-03-03. Review status: criteria provided, single submitter. Criteria: GeneDx Variant Classification (06012015). Collection method: clinical testing. Allele origin: germline. Affected: yes.
Comment: This variant is considered likely benign or benign based on one or more of the following criteria: it is a conservative change, it occurs at a poorly conserved position in the protein, it is predicted to be benign by multiple in silico algorithms, and/or has population frequency not consistent with disease.